The following is an entry in ClinVar:

NM_000455.5(STK11):c.1296G>C (p.Gln432His)

Gene: STK11 (serine/threonine kinase 11; plus strand). Cytogenetic location: 19p13.3.
Variant type: single nucleotide variant.
Coding change: c.1296G>C on transcript NM_000455.5 (MANE Select); coding-DNA position 1296, G replaced by C.
Protein change: p.Gln432His; replaces glutamine 432 with histidine.
Molecular consequence: missense variant.
Genome position (GRCh38, 1-based): chr19:1,226,641, G>C. VCF-style: chr19-1226641-G-C. GRCh37 (hg19) VCF-style: chr19-1226640-G-C.
Other names: short protein forms Q432H.
Identifiers: ClinVar variation 184938 (VCV000184938.7), dbSNP rs587781179, ClinGen allele CA022629.
Genomic context (GRCh38, chr19:1,226,641, plus strand): 5'-CCCTGCCCGCAAGGCCTGCTCCGCCAGCAGCAAGATCCGCCGGCTGTCGGCCTGCAAGCA[G>C]CAGTGAGGCTGGCCGCCTGCAGGTGGGGCGCGGCGGGGCCCGGGTGGGGCATGTGGGGAC-3'
Protein context (NP_000446.1, residues 422-433): SKIRRLSACK[Gln432His]Q

ClinVar aggregate classification (germline): Uncertain significance. Review status: criteria provided, multiple submitters, no conflicts (2 of 4 stars). 3 submissions from 3 submitters: Uncertain significance (3). Last evaluated 2021-07-15.

Conditions:
Hereditary cancer-predisposing syndrome. Also called: Tumor predisposition; Hereditary Cancer Syndrome; Hereditary neoplastic syndrome; Neoplastic Syndromes, Hereditary. Identifiers: Orphanet 140162, MedGen C0027672, MeSH D009386, MONDO:0015356.
Peutz-Jeghers syndrome (PJS). Also called: POLYPOSIS, HAMARTOMATOUS INTESTINAL; POLYPS-AND-SPOTS SYNDROME; Peutz-Jeghers polyposis; Periorificial lentiginosis syndrome. Identifiers: Orphanet 2869, MedGen C0031269, MeSH D010580, MONDO:0008280, OMIM 175200.

Submissions (3):

Genome-Nilou Lab
Classification: Uncertain significance for Peutz-Jeghers syndrome. Last evaluated: 2021-07-15. Review status: criteria provided, single submitter. Criteria: ACMG Guidelines, 2015. Collection method: clinical testing. Allele origin: germline. Affected: no.

Color Diagnostics, LLC DBA Color Health
Classification: Uncertain significance for Hereditary cancer-predisposing syndrome. Last evaluated: 2019-04-23. Review status: criteria provided, single submitter. Criteria: ACMG Guidelines, 2015. Collection method: clinical testing. Allele origin: germline.

Ambry Genetics
Classification: Uncertain significance for Hereditary cancer-predisposing syndrome. Last evaluated: 2015-11-03. Review status: criteria provided, single submitter. Criteria: Ambry Autosomal Dominant and X-Linked criteria (10/2015). Collection method: clinical testing. Allele origin: germline. Observed: 1 variant allele.
Comment: Thep.Q432Hvariant (also known as c.1296G>C), located in coding exon 9 of theSTK11gene, results from a G to C substitution at nucleotide position 1296. The glutamine at codon 432 is replaced by histidine, an amino acid with highly similar properties. This variant was not reported in population based cohorts in the following databases: Database of Single Nucleotide Polymorphisms (dbSNP), NHLBI Exome Sequencing Project (ESP), and 1000 Genomes Project. This position was not covered in the ESP. To date, this alteration has been detected with an allele frequency of approximately 0.001% (greater than 125000 alleles tested) in our clinical cohort. This amino acid position is highly conserved in available vertebrate species. In addition, the in silico prediction for this alteration is inconclusive. Since supporting evidence is limited at this time, the clinical significance of p.Q432H remains unclear.Ã¢â‚¬â€¹